The following is an entry in ClinVar:

NM_001384125.1(BLTP1):c.9417C>T (p.Asn3139=)

Gene: BLTP1 (bridge-like lipid transfer protein family member 1; plus strand). Cytogenetic location: 4q27.
Variant type: single nucleotide variant.
Coding change: c.9417C>T on transcript NM_001384125.1 (MANE Select); coding-DNA position 9417, C replaced by T.
Protein change: p.Asn3139=; no amino-acid change (asparagine 3139 retained).
Molecular consequence: synonymous variant.
Genome position (GRCh38, 1-based): chr4:122,301,328, C>T. VCF-style: chr4-122301328-C-T. GRCh37 (hg19) VCF-style: chr4-123222483-C-T.
Other names: c.9417C>T, p.Asn3139= (NM_015312.4).
Identifiers: ClinVar variation 751086 (VCV000751086.4), dbSNP rs146350559, ClinGen allele CA3067375.

ClinVar aggregate classification (germline): Likely benign. Review status: criteria provided, single submitter (1 of 4 stars). 2 submissions from 2 submitters: Likely benign (1). 1 of the submissions does not count toward it. Last evaluated 2018-09-11.

Conditions:
BLTP1-related disorder. Also called: BLTP1-related condition.

Allele frequency attached by ClinVar (database versions not stated): gnomAD exomes 0.00006 and 0.00008; ExAC 0.00015; ESP Exome Variant Server 0.00034; gnomAD 0.00034; 1000 Genomes Project 0.00040; TOPMed 0.00049; 1000 Genomes Project 30x 0.00062.
gnomAD v4.1: 135 of 1,602,520 alleles (0.0084%); highest among the groups gnomAD compares: African/African-American, 0.13%; no homozygotes.

Submissions (2):

Labcorp Genetics (formerly Invitae), Labcorp
Classification: Likely benign. Last evaluated: 2018-09-11. Review status: criteria provided, single submitter. Criteria: Invitae Variant Classification Sherloc (09022015). Collection method: clinical testing. Allele origin: germline.

PreventionGenetics, part of Exact Sciences
Classification: Likely benign for BLTP1-related condition. Last evaluated: 2024-03-12. Review status: no assertion criteria provided. Collection method: clinical testing. Allele origin: germline. Not counted in ClinVar's aggregate classification.
Comment: This variant is classified as likely benign based on ACMG/AMP sequence variant interpretation guidelines (Richards et al. 2015 PMID: 25741868, with internal and published modifications).